The following is an entry in ClinVar:

NM_003105.6(SORL1):c.3502G>A (p.Gly1168Ser)

Gene: SORL1 (sortilin related receptor 1; plus strand). Cytogenetic location: 11q24.1.
Variant type: single nucleotide variant.
Coding change: c.3502G>A on transcript NM_003105.6 (MANE Select); coding-DNA position 3502, G replaced by A.
Protein change: p.Gly1168Ser; replaces glycine 1168 with serine.
Molecular consequence: missense variant.
Genome position (GRCh38, 1-based): chr11:121,577,322, G>A. VCF-style: chr11-121577322-G-A. GRCh37 (hg19) VCF-style: chr11-121448031-G-A.
Other names: short protein forms G1168S.
Identifiers: ClinVar variation 2053959 (VCV002053959.2), dbSNP rs376552061, ClinGen allele CA6329290.

ClinVar aggregate classification (germline): Uncertain significance (1 of 4 stars; one submission).

Allele frequency attached by ClinVar (database versions not stated): gnomAD exomes 0.00001; ExAC 0.00003; gnomAD 0.00003; TOPMed 0.00004; ESP Exome Variant Server 0.00023.
gnomAD v4.1: 20 of 1,613,012 alleles (0.0012%); highest among the groups gnomAD compares: Admixed American, 0.0017%; no homozygotes.

Submission:

Labcorp Genetics (formerly Invitae), Labcorp
Classification: Uncertain significance. Last evaluated: 2022-01-05. Review status: criteria provided, single submitter. Criteria: Invitae Variant Classification Sherloc (09022015). Collection method: clinical testing. Allele origin: germline.
Comment: In summary, the available evidence is currently insufficient to determine the role of this variant in disease. Therefore, it has been classified as a Variant of Uncertain Significance. Algorithms developed to predict the effect of missense changes on protein structure and function (SIFT, PolyPhen-2, Align-GVGD) all suggest that this variant is likely to be disruptive. This variant has not been reported in the literature in individuals affected with SORL1-related conditions. This variant is present in population databases (rs376552061, gnomAD 0.004%). This sequence change replaces glycine, which is neutral and non-polar, with serine, which is neutral and polar, at codon 1168 of the SORL1 protein (p.Gly1168Ser).